The following is an entry in ClinVar:

NM_000170.3(GLDC):c.3053C>T (p.Ala1018Val)

Gene: GLDC (glycine decarboxylase; minus strand). Cytogenetic location: 9p24.1.
Variant type: single nucleotide variant.
Coding change: c.3053C>T on transcript NM_000170.3 (MANE Select); coding-DNA position 3053, C replaced by T.
Protein change: p.Ala1018Val; replaces alanine 1018 with valine.
Molecular consequence: missense variant.
Genome position (GRCh38, 1-based): chr9:6,533,027, G>A on the plus strand (C>T on the coding strand, the complement: GLDC is on the minus strand). VCF-style: chr9-6533027-G-A. GRCh37 (hg19) VCF-style: chr9-6533027-G-A.
Other names: short protein forms A1018V.
Identifiers: ClinVar variation 2194919 (VCV002194919.1), dbSNP rs150149798, ClinGen allele CA4979972.

ClinVar aggregate classification (germline): Uncertain significance (1 of 4 stars; one submission).

Conditions:
Glycine encephalopathy. Also called: Nonketotic hyperglycinemia; Non-ketotic hyperglycinemia. Identifiers: Orphanet 407, MedGen C0751748, MONDO:0011612, HP:0008288.

Allele frequency attached by ClinVar (database versions not stated): gnomAD 0.00005; TOPMed 0.00006; ESP Exome Variant Server 0.00008; ExAC 0.00010; gnomAD exomes 0.00011; 1000 Genomes Project 30x 0.00031; 1000 Genomes Project 0.00040.
gnomAD v4.1: 159 of 1,609,610 alleles (0.0099%); highest among the groups gnomAD compares: South Asian, 0.035%; 1 homozygote.

Submission:

Labcorp Genetics (formerly Invitae), Labcorp
Classification: Uncertain significance for Glycine encephalopathy. Last evaluated: 2022-05-03. Review status: criteria provided, single submitter. Criteria: Invitae Variant Classification Sherloc (09022015). Collection method: clinical testing. Allele origin: germline.
Comment: This sequence change replaces alanine, which is neutral and non-polar, with valine, which is neutral and non-polar, at codon 1018 of the GLDC protein (p.Ala1018Val). This variant is present in population databases (rs150149798, gnomAD 0.04%). This variant has not been reported in the literature in individuals affected with GLDC-related conditions. Algorithms developed to predict the effect of missense changes on protein structure and function are either unavailable or do not agree on the potential impact of this missense change (SIFT: "Deleterious"; PolyPhen-2: "Possibly Damaging"; Align-GVGD: "Class C0"). In summary, the available evidence is currently insufficient to determine the role of this variant in disease. Therefore, it has been classified as a Variant of Uncertain Significance.